The following is an entry in ClinVar:

NM_032242.4(PLXNA1):c.3580T>A (p.Ser1194Thr)

Gene: PLXNA1 (plexin A1; plus strand). Cytogenetic location: 3q21.3.
Variant type: single nucleotide variant.
Coding change: c.3580T>A on transcript NM_032242.4 (MANE Select); coding-DNA position 3580, T replaced by A.
Protein change: p.Ser1194Thr; replaces serine 1194 with threonine.
Molecular consequence: missense variant.
Genome position (GRCh38, 1-based): chr3:127,017,812, T>A. VCF-style: chr3-127017812-T-A. GRCh37 (hg19) VCF-style: chr3-126736655-T-A.
Other names: short protein forms S1194T.
Identifiers: ClinVar variation 4989971 (VCV004989971.1).

ClinVar aggregate classification (germline): Uncertain significance (1 of 4 stars; one submission).

Conditions:
PLXNA1-related disorder. Also called: PLXNA1-related condition.

gnomAD v4.1: 22 of 1,612,914 alleles (0.0014%); highest among the groups gnomAD compares: Non-Finnish European, 0.0017%; no homozygotes.

Submission:

PreventionGenetics, part of Exact Sciences
Classification: Uncertain significance for PLXNA1-related condition. Last evaluated: 2025-04-11. Review status: criteria provided, single submitter. Criteria: ACMG Guidelines, 2015. Collection method: clinical testing. Allele origin: germline.
Comment: The PLXNA1 c.3580T>A variant is predicted to result in the amino acid substitution p.Ser1194Thr. To our knowledge, this variant has not been reported in the literature. This variant is reported in 0.0046% of alleles in individuals of European (Non-Finnish) descent in gnomAD. At this time, the clinical significance of this variant is uncertain due to the absence of conclusive functional and genetic evidence.